The following is an entry in ClinVar:

NM_004656.4(BAP1):c.1251-19A>G

Gene: BAP1 (BRCA1 associated deubiquitinase 1; minus strand). Cytogenetic location: 3p21.1.
Variant type: single nucleotide variant.
Coding change: c.1251-19A>G on transcript NM_004656.4 (MANE Select); 19 bases into the intron before coding-DNA position 1251, A replaced by G.
Molecular consequence: intron variant.
Genome position (GRCh38, 1-based): chr3:52,403,913, T>C on the plus strand (A>G on the coding strand, the complement: BAP1 is on the minus strand). VCF-style: chr3-52403913-T-C. GRCh37 (hg19) VCF-style: chr3-52437929-T-C.
Identifiers: ClinVar variation 1659101 (VCV001659101.9), dbSNP rs754019811, ClinGen allele CA2436846.

ClinVar aggregate classification (germline): Likely benign. Review status: criteria provided, multiple submitters, no conflicts (2 of 4 stars). 2 submissions from 2 submitters: Likely benign (2). Last evaluated 2025-03-07.

Conditions:
BAP1-related tumor predisposition syndrome (TPDS1). Also called: Tumor susceptibility linked to germline BAP1 mutations; BAP1 tumor predisposition syndrome; COMMON Syndrome; TUMOR PREDISPOSITION SYNDROME 1. Identifiers: Orphanet 289539, MedGen C3280492, MONDO:0013692, OMIM 614327.

Allele frequency attached by ClinVar (database versions not stated): gnomAD exomes below 0.00001; ExAC 0.00001.

Submissions (2):

Labcorp Genetics (formerly Invitae), Labcorp
Classification: Likely benign for BAP1-related tumor predisposition syndrome. Last evaluated: 2025-03-07. Review status: criteria provided, single submitter. Criteria: Invitae Variant Classification Sherloc (09022015). Collection method: clinical testing. Allele origin: germline.

Myriad Genetics, Inc.
Classification: Likely benign for BAP1-related tumor predisposition syndrome. Last evaluated: 2024-07-16. Review status: criteria provided, single submitter. Criteria: Myriad Autosomal Dominant, Autosomal Recessive and X-Linked Classification Criteria (2023). Collection method: clinical testing. Allele origin: unknown.
Comment: This variant is considered likely benign. This variant is intronic and is not expected to impact mRNA splicing.